The following is an entry in ClinVar:

ClinVar aggregate classification (germline): Uncertain significance (1 of 4 stars; one submission).

Allele frequency attached by ClinVar (database versions not stated): gnomAD exomes below 0.00001.
gnomAD v4.1: 2 of 1,612,208 alleles (0.00012%); highest among the groups gnomAD compares: Non-Finnish European, 0.000085%; no homozygotes.

Submission:

Labcorp Genetics (formerly Invitae), Labcorp
Classification: Uncertain significance. Last evaluated: 2023-08-22. Review status: criteria provided, single submitter. Criteria: Invitae Variant Classification Sherloc (09022015). Collection method: clinical testing. Allele origin: germline.
Comment: In summary, the available evidence is currently insufficient to determine the role of this variant in disease. Therefore, it has been classified as a Variant of Uncertain Significance. Advanced modeling of protein sequence and biophysical properties (such as structural, functional, and spatial information, amino acid conservation, physicochemical variation, residue mobility, and thermodynamic stability) performed at Invitae indicates that this missense variant is not expected to disrupt TNNI3K protein function. This sequence change replaces isoleucine, which is neutral and non-polar, with methionine, which is neutral and non-polar, at codon 489 of the TNNI3K protein (p.Ile489Met). This variant is not present in population databases (gnomAD no frequency). This variant has not been reported in the literature in individuals affected with TNNI3K-related conditions.

NM_015978.3(TNNI3K):c.1467A>G (p.Ile489Met)

Genes: FPGT-TNNI3K (FPGT-TNNI3K readthrough; plus strand), TNNI3K (TNNI3 interacting kinase; plus strand). Cytogenetic location: 1p31.1.
Variant type: single nucleotide variant.
Coding change: c.1467A>G on transcript NM_015978.3 (MANE Select); coding-DNA position 1467, A replaced by G.
Protein change: p.Ile489Met; replaces isoleucine 489 with methionine.
Molecular consequence: missense variant.
Genome position (GRCh38, 1-based): chr1:74,369,259, A>G. VCF-style: chr1-74369259-A-G. GRCh37 (hg19) VCF-style: chr1-74834943-A-G.
Other names: c.1770A>G, p.Ile590Met (NM_001112808.3, NM_001199327.2); short protein forms I489M, I590M.
Identifiers: ClinVar variation 2843395 (VCV002843395.3), dbSNP rs2524469811, ClinGen allele CA340786026.
Genomic context (GRCh38, chr1:74,369,259, plus strand): 5'-AATTGTAGGTTCTTTTGGGAAAGTATATAAAGGACGATGCAGAAATAAAATAGTGGCTAT[A>G]AAACGGTAAGCAAGCAAATGAAAAAATTTAACATCCAGGTGGAATTGTGACCTTTGAGAA-3'
Protein context (NP_057062.1, residues 479-499): KGRCRNKIVA[Ile489Met]KRYRANTYCS